The following is an entry in ClinVar:

ClinVar aggregate classification (germline): Uncertain significance (1 of 4 stars; one submission).

Conditions:
Autism, susceptibility to, 20. Identifiers: MedGen C5394226, MONDO:0030004, OMIM 618830.

Submission:

Dasa
Classification: Uncertain significance for Autism, susceptibility to, 20. Last evaluated: 2026-01-03. Review status: criteria provided, single submitter. Criteria: DASA Assertion Criteria. Collection method: clinical testing. Allele origin: germline.
Comment: NM_001365923.2(NLGN1):c.521A>G (p.Asp174Gly) is a missense variant that results in the substitution of aspartic acid with glycine. This variant is rare in population databases. The currently available literature and clinical evidence are not sufficient to establish a definitive association between this variant and the reported condition. Therefore, this variant is classified as a variant of uncertain significance.

NM_001365925.2(NLGN1):c.554-7360A>G

Gene: NLGN1 (neuroligin 1; plus strand). Cytogenetic location: 3q26.31.
Variant type: single nucleotide variant.
Coding change: c.554-7360A>G on transcript NM_001365925.2 (MANE Select); 7360 bases into the intron before coding-DNA position 554, A replaced by G.
Molecular consequence: intron variant. On other transcripts: missense variant (2).
Genome position (GRCh38, 1-based): chr3:173,800,320, A>G. VCF-style: chr3-173800320-A-G. GRCh37 (hg19) VCF-style: chr3-173518110-A-G.
Other names: c.521A>G, p.Asp174Gly (NM_001365923.2, NM_001365927.2); c.554-7360A>G (NM_001365924.2, NM_001365926.2, NM_001365928.2); c.494-7360A>G (NM_001365930.2, NM_001365936.2, NM_001365929.2 and 6 more transcripts); short protein forms D174G.
Identifiers: ClinVar variation 4882205 (VCV004882205.2).